The following is an entry in ClinVar:

NM_144997.7(FLCN):c.78C>T (p.His26=)

Gene: FLCN (folliculin; minus strand). Cytogenetic location: 17p11.2.
Variant type: single nucleotide variant.
Coding change: c.78C>T on transcript NM_144997.7 (MANE Select); coding-DNA position 78, C replaced by T.
Protein change: p.His26=; no amino-acid change (histidine 26 retained).
Molecular consequence: synonymous variant.
Genome position (GRCh38, 1-based): chr17:17,228,060, G>A on the plus strand (C>T on the coding strand, the complement: FLCN is on the minus strand). VCF-style: chr17-17228060-G-A. GRCh37 (hg19) VCF-style: chr17-17131374-G-A.
Other names: c.78C>T (LRG_325t1); c.78C>T, p.His26= (NM_001353229.2, NM_001353230.2, NM_001353231.2 and 1 more transcripts).
Identifiers: ClinVar variation 530015 (VCV000530015.20), dbSNP rs746222481, ClinGen allele CA8416525.

ClinVar aggregate classification (germline): Benign/Likely benign. Review status: criteria provided, multiple submitters, no conflicts (2 of 4 stars). 5 submissions from 5 submitters: Benign (1); Likely benign (3). 1 of the submissions does not count toward it. Last evaluated 2026-01-31.

Conditions:
Birt-Hogg-Dube syndrome 1 (BHD1). Also called: FIBROFOLLICULOMAS WITH TRICHODISCOMAS AND ACROCHORDONS. Identifiers: Orphanet 122, MedGen CN375946, MONDO:0800445, OMIM 135150.
FLCN-related disorder. Also called: FLCN-related condition.
Hereditary cancer-predisposing syndrome. Also called: Neoplastic Syndromes, Hereditary; Hereditary neoplastic syndrome; Tumor predisposition; Hereditary Cancer Syndrome. Identifiers: Orphanet 140162, MedGen C0027672, MeSH D009386, MONDO:0015356.
Birt-Hogg-Dube syndrome. Also called: Birt Hogg Dubé syndrome. Identifiers: Orphanet 122, MedGen C0346010, MONDO:0800444.

Allele frequency attached by ClinVar (database versions not stated): ExAC 0.00002; gnomAD exomes 0.00004 and 0.00005; gnomAD 0.00005 and 0.00006; TOPMed 0.00008.
gnomAD v4.1: 73 of 1,613,618 alleles (0.0045%); highest among the groups gnomAD compares: African/African-American, 0.021%; no homozygotes.

Submissions (5):

Labcorp Genetics (formerly Invitae), Labcorp
Classification: Likely benign for Birt-Hogg-Dube syndrome. Last evaluated: 2026-01-31. Review status: criteria provided, single submitter. Criteria: Invitae Variant Classification Sherloc (09022015). Collection method: clinical testing. Allele origin: germline.

Myriad Genetics, Inc.
Classification: Benign for Birt-Hogg-Dube syndrome 1. Last evaluated: 2024-10-22. Review status: criteria provided, single submitter. Criteria: Myriad Autosomal Dominant, Autosomal Recessive and X-Linked Classification Criteria (2023). Collection method: clinical testing. Allele origin: unknown.
Comment: This variant is considered benign. This variant is a silent/synonymous amino acid change and it is not expected to impact splicing.

GeneDx
Classification: Likely benign. Last evaluated: 2018-12-28. Review status: criteria provided, single submitter. Criteria: GeneDx Variant Classification Process June 2021. Collection method: clinical testing. Allele origin: germline. Affected: yes.
Comment: This variant is associated with the following publications: (PMID: 25344691)

Ambry Genetics
Classification: Likely benign for Hereditary cancer-predisposing syndrome. Last evaluated: 2015-08-18. Review status: criteria provided, single submitter. Criteria: Ambry Variant Classification Scheme 2023. Collection method: clinical testing. Allele origin: germline.

PreventionGenetics, part of Exact Sciences
Classification: Likely benign for FLCN-related condition. Last evaluated: 2021-12-13. Review status: no assertion criteria provided. Collection method: clinical testing. Allele origin: germline. Not counted in ClinVar's aggregate classification.
Comment: This variant is classified as likely benign based on ACMG/AMP sequence variant interpretation guidelines (Richards et al. 2015 PMID: 25741868, with internal and published modifications).